The following is an entry in ClinVar:

ClinVar aggregate classification (germline): Pathogenic (1 of 4 stars; one submission).

Conditions:
BCS1L-related disorder. Also called: BCS1L-related condition; BCS1L-related disorders. Identifiers: MedGen CN239240.

Submission:

Myriad Genetics, Inc.
Classification: Pathogenic for BCS1L-related disorder. Last evaluated: 2025-12-11. Review status: criteria provided, single submitter. Criteria: Myriad Autosomal Dominant, Autosomal Recessive and X-Linked Classification Criteria (2023). Collection method: clinical testing. Allele origin: unknown.
Comment: NM_004328.4(BCS1L):c.974delG(R325Pfs*5) is a frameshift variant classified as pathogenic in the context of BCS1L-related disorders. R325Pfs*5 has not been observed in cases with relevant disease. Relevant functional assessments of this variant are not available in the literature. R325Pfs*5 has not been observed in referenced population frequency databases. In summary, NM_004328.4(BCS1L):c.974delG(R325Pfs*5) is a frameshift variant in a gene where loss of function is a known mechanism of disease and is predicted to disrupt protein function. Please note: this variant was assessed in the context of healthy population screening.

NM_001079866.2(BCS1L):c.974del (p.Arg325fs)

Gene: BCS1L (BCS1 ubiquinol-cytochrome c reductase complex chaperone; plus strand). Cytogenetic location: 2q35.
Variant type: Deletion.
Coding change: c.974del on transcript NM_001079866.2 (MANE Select); coding-DNA position 974, one base deleted (G; older notation c.974delG).
Protein change: p.Arg325fs; shifts the reading frame from arginine 325.
Molecular consequence: frameshift variant. On other transcripts: non-coding transcript variant (1).
Genome position (GRCh38, 1-based): chr2:218,662,967, G deleted. VCF-style (leftmost placement, unchanged base first): chr2-218662966-CG-C. GRCh37 (hg19) VCF-style: chr2-219527689-CG-C.
Other names: c.974del, p.Arg325fs (NM_001257342.2, NM_001257343.2, NM_001257344.2 and 10 more transcripts); c.614del, p.Arg205fs (NM_001318836.2, NM_001371451.1); c.473del, p.Arg158fs (NM_001371452.1, NM_001371453.1, NM_001371454.1 and 3 more transcripts); short protein forms R158fs, R325fs, R205fs.
Identifiers: ClinVar variation 5004325 (VCV005004325.1).